The following is an entry in ClinVar:

ClinVar aggregate classification (germline): Likely pathogenic (1 of 4 stars; one submission).

Conditions:
Nephronophthisis. Also called: Juvenile Nephronophthisis. Identifiers: Orphanet 655, MedGen C0687120, MONDO:0019005, HP:0000090.

Allele frequency attached by ClinVar (database versions not stated): gnomAD exomes below 0.00001.

Submission:

Labcorp Genetics (formerly Invitae), Labcorp
Classification: Likely pathogenic for Nephronophthisis. Last evaluated: 2022-11-08. Review status: criteria provided, single submitter. Criteria: Invitae Variant Classification Sherloc (09022015). Collection method: clinical testing. Allele origin: germline.
Comment: This variant results in the deletion of part of exon 2 (c.135_135+14del) of the NPHP4 gene. It is expected to disrupt RNA splicing. Variants that disrupt the donor or acceptor splice site typically lead to a loss of protein function (PMID: 16199547), and loss-of-function variants in NPHP4 are known to be pathogenic (PMID: 12205563, 23559409). In summary, the currently available evidence indicates that the variant is pathogenic, but additional data are needed to prove that conclusively. Therefore, this variant has been classified as Likely Pathogenic. Algorithms developed to predict the effect of sequence changes on RNA splicing suggest that this variant may disrupt the consensus splice site. ClinVar contains an entry for this variant (Variation ID: 1471118). This variant has not been reported in the literature in individuals affected with NPHP4-related conditions. This variant is present in population databases (no rsID available, gnomAD 0.007%).

Literature cited by the submitters: PubMed 16199547; PubMed 12205563; PubMed 23559409.

NM_015102.5(NPHP4):c.135_135+14del

Gene: NPHP4 (nephrocystin 4; minus strand). Cytogenetic location: 1p36.31.
Variant type: Deletion.
Coding change: c.135_135+14del on transcript NM_015102.5 (MANE Select); coding-DNA position 135 through 14 bases into the intron after coding-DNA position 135, 15 bases deleted (GGTAACAAAATGTGC).
Molecular consequence: splice donor variant. On other transcripts: intron variant (1).
Genome position (GRCh38, 1-based): chr1:5,986,141-5,986,155, GCACATTTTGTTACC deleted on the plus strand (GGTAACAAAATGTGC on the coding strand, the reverse complement: NPHP4 is on the minus strand). VCF-style (leftmost placement, unchanged base first): chr1-5986140-AGCACATTTTGTTACC-A. GRCh37 (hg19) VCF-style: chr1-6046200-AGCACATTTTGTTACC-A.
Other names: c.-1088+6089_-1088+6103del (NM_001291594.2); c.-1095_-1095+14del (NM_001291593.2).
Identifiers: ClinVar variation 1471118 (VCV001471118.6), dbSNP rs1557895715, ClinGen allele CA520736908.
Genomic context (GRCh38, chr1:5,986,140, plus strand): 5'-CATCCATCTGTTAACTGGAAGCCTCATGTCAGCTAAGAGCAATAACACGCATTTGCTAAC[AGCACATTTTGTTACC>A]TGCCTAATTACCGGTCCGTCCAGCCACTTGAGGACACACTGGAATGCCGTGGATTCCTTC-3'